The following continues an entry in ClinVar:

NM_002292.4(LAMB2):c.2673C>T (p.Gly891=)

Gene: LAMB2. ClinVar aggregate classification (germline): Benign/Likely benign. Benign (9); Likely benign (2).

Submissions 30 to 45 of 45:

Dr. Peter K. Rogan Lab, Western University
No classification provided (evidence only). Condition: Cervical cancer. Review status: no classification provided. Collection method: in vitro. Allele origin: not applicable. Functional consequence: retained intron. Not counted in ClinVar's aggregate classification.

Dr. Peter K. Rogan Lab, Western University
No classification provided (evidence only). Condition: Cervical cancer. Review status: no classification provided. Collection method: in vitro. Allele origin: not applicable. Functional consequence: retained intron. Not counted in ClinVar's aggregate classification.

Dr. Peter K. Rogan Lab, Western University
No classification provided (evidence only). Condition: Sarcoma. Review status: no classification provided. Collection method: in vitro. Allele origin: not applicable. Functional consequence: skipped exon, retained intron. Not counted in ClinVar's aggregate classification.

Dr. Peter K. Rogan Lab, Western University
No classification provided (evidence only). Condition: Hepatocellular carcinoma. Review status: no classification provided. Collection method: in vitro. Allele origin: not applicable. Functional consequence: skipped exon, retained intron. Not counted in ClinVar's aggregate classification.

Dr. Peter K. Rogan Lab, Western University
No classification provided (evidence only). Condition: Hepatocellular carcinoma. Review status: no classification provided. Collection method: in vitro. Allele origin: not applicable. Functional consequence: skipped exon. Not counted in ClinVar's aggregate classification.

Dr. Peter K. Rogan Lab, Western University
No classification provided (evidence only). Condition: Thymoma. Review status: no classification provided. Collection method: in vitro. Allele origin: not applicable. Functional consequence: skipped exon. Not counted in ClinVar's aggregate classification.

Dr. Peter K. Rogan Lab, Western University
No classification provided (evidence only). Condition: Ovarian serous cystadenocarcinoma. Review status: no classification provided. Collection method: in vitro. Allele origin: not applicable. Functional consequence: retained intron. Not counted in ClinVar's aggregate classification.

Dr. Peter K. Rogan Lab, Western University
No classification provided (evidence only). Condition: Ovarian serous cystadenocarcinoma. Review status: no classification provided. Collection method: in vitro. Allele origin: not applicable. Functional consequence: retained intron. Not counted in ClinVar's aggregate classification.

Dr. Peter K. Rogan Lab, Western University
No classification provided (evidence only). Condition: Ovarian serous cystadenocarcinoma. Review status: no classification provided. Collection method: in vitro. Allele origin: not applicable. Functional consequence: retained intron. Not counted in ClinVar's aggregate classification.

Dr. Peter K. Rogan Lab, Western University
No classification provided (evidence only). Condition: Ovarian serous cystadenocarcinoma. Review status: no classification provided. Collection method: in vitro. Allele origin: not applicable. Functional consequence: retained intron. Not counted in ClinVar's aggregate classification.

Dr. Peter K. Rogan Lab, Western University
No classification provided (evidence only). Condition: Ovarian serous cystadenocarcinoma. Review status: no classification provided. Collection method: in vitro. Allele origin: not applicable. Functional consequence: retained intron. Not counted in ClinVar's aggregate classification.

Dr. Peter K. Rogan Lab, Western University
No classification provided (evidence only). Condition: Ovarian serous cystadenocarcinoma. Review status: no classification provided. Collection method: in vitro. Allele origin: not applicable. Functional consequence: retained intron. Not counted in ClinVar's aggregate classification.

Dr. Peter K. Rogan Lab, Western University
No classification provided (evidence only). Condition: Ovarian serous cystadenocarcinoma. Review status: no classification provided. Collection method: in vitro. Allele origin: not applicable. Functional consequence: retained intron. Not counted in ClinVar's aggregate classification.

Dr. Peter K. Rogan Lab, Western University
No classification provided (evidence only). Condition: Gastric cancer. Review status: no classification provided. Collection method: in vitro. Allele origin: not applicable. Functional consequence: retained intron. Not counted in ClinVar's aggregate classification.

Dr. Peter K. Rogan Lab, Western University
No classification provided (evidence only). Condition: Malignant tumor of esophagus. Review status: no classification provided. Collection method: in vitro. Allele origin: not applicable. Functional consequence: skipped exon, retained intron. Not counted in ClinVar's aggregate classification.

Dr. Peter K. Rogan Lab, Western University
No classification provided (evidence only). Condition: Malignant tumor of esophagus. Review status: no classification provided. Collection method: in vitro. Allele origin: not applicable. Functional consequence: retained intron. Not counted in ClinVar's aggregate classification.

Literature cited by the submitters: PubMed 20556798 (cited by Mayo Clinic Laboratories, Mayo Clinic and Athena Diagnostics).